The following is an entry in ClinVar:

ClinVar aggregate classification (germline): Uncertain significance. Review status: criteria provided, multiple submitters, no conflicts (2 of 4 stars). 3 submissions from 3 submitters: Uncertain significance (3). Last evaluated 2025-01-22.

Conditions:
Imerslund-Grasbeck syndrome type 2. Also called: Megaloblastic anemia 1, Norwegian type; MEGALOBLASTIC ANEMIA, NORWEGIAN TYPE; Imerslund-Gräsbeck syndrome 2. Identifiers: MedGen C4016948, MONDO:0100157, OMIM 618882.
Imerslund-Grasbeck syndrome. Also called: Megaloblastic anemia due to inborn errors of metabolism; Imerslund-Gräsbeck syndrome; ENTEROCYTE COBALAMIN MALABSORPTION; ENTEROCYTE INTRINSIC FACTOR RECEPTOR, DEFECT OF; PERNICIOUS ANEMIA, JUVENILE, DUE TO SELECTIVE INTESTINAL MALABSORPTION OF VITAMIN B12, WITH PROTEINURIA. Identifiers: Orphanet 35858, MedGen C4551825, MONDO:0009853.
Inborn genetic diseases. Identifiers: MedGen C0950123, MeSH D030342.

Allele frequency attached by ClinVar (database versions not stated): TOPMed 0.00005; gnomAD 0.00007 and 0.00009.
gnomAD v4.1: 11 of 1,380,248 alleles (0.0008%); highest among the groups gnomAD compares: African/African-American, 0.017%; no homozygotes.

Submissions (3):

Ambry Genetics
Classification: Uncertain significance for Inborn genetic diseases. Last evaluated: 2025-01-22. Review status: criteria provided, single submitter. Criteria: Ambry Variant Classification Scheme 2023. Collection method: clinical testing. Allele origin: germline.

Labcorp Genetics (formerly Invitae), Labcorp
Classification: Uncertain significance for Imerslund-Grasbeck syndrome. Last evaluated: 2023-09-13. Review status: criteria provided, single submitter. Criteria: Invitae Variant Classification Sherloc (09022015). Collection method: clinical testing. Allele origin: germline.
Comment: ClinVar contains an entry for this variant (Variation ID: 1411676). In summary, the available evidence is currently insufficient to determine the role of this variant in disease. Therefore, it has been classified as a Variant of Uncertain Significance. Advanced modeling of protein sequence and biophysical properties (such as structural, functional, and spatial information, amino acid conservation, physicochemical variation, residue mobility, and thermodynamic stability) performed at Invitae indicates that this missense variant is not expected to disrupt AMN protein function. This variant has not been reported in the literature in individuals affected with AMN-related conditions. This variant is present in population databases (no rsID available, gnomAD 0.03%). This sequence change replaces valine, which is neutral and non-polar, with leucine, which is neutral and non-polar, at codon 375 of the AMN protein (p.Val375Leu).

Fulgent Genetics
Classification: Uncertain significance for Imerslund-Grasbeck syndrome type 2. Last evaluated: 2021-10-21. Review status: criteria provided, single submitter. Criteria: ACMG Guidelines, 2015. Collection method: clinical testing. Allele origin: unknown.

NM_030943.4(AMN):c.1123G>C (p.Val375Leu)

Gene: AMN (amnion associated transmembrane protein; plus strand). Cytogenetic location: 14q32.32.
Variant type: single nucleotide variant.
Coding change: c.1123G>C on transcript NM_030943.4 (MANE Select); coding-DNA position 1123, G replaced by C.
Protein change: p.Val375Leu; replaces valine 375 with leucine.
Molecular consequence: missense variant.
Genome position (GRCh38, 1-based): chr14:102,930,281, G>C. VCF-style: chr14-102930281-G-C. GRCh37 (hg19) VCF-style: chr14-103396618-G-C.
Other names: c.1123G>C (NM_030943.3); short protein forms V375L.
Identifiers: ClinVar variation 1411676 (VCV001411676.10), dbSNP rs759831593, ClinGen allele CA267175539.